The following is an entry in ClinVar:

NM_000048.4(ASL):c.656-5C>T

Gene: ASL (argininosuccinate lyase; plus strand). Cytogenetic location: 7q11.21.
Variant type: single nucleotide variant.
Coding change: c.656-5C>T on transcript NM_000048.4 (MANE Select); 5 bases into the intron before coding-DNA position 656, C replaced by T.
Molecular consequence: intron variant.
Genome position (GRCh38, 1-based): chr7:66,087,724, C>T. VCF-style: chr7-66087724-C-T. GRCh37 (hg19) VCF-style: chr7-65552711-C-T.
Other names: c.656-5C>T (NM_000048.3, NM_001024943.2, NM_001024944.2); c.578-5C>T (NM_001024946.2).
Identifiers: ClinVar variation 1094402 (VCV001094402.12), dbSNP rs201814807, ClinGen allele CA4277089.

ClinVar aggregate classification (germline): Likely benign. Review status: criteria provided, multiple submitters, no conflicts (2 of 4 stars). 3 submissions from 3 submitters: Likely benign (2). 1 of the submissions does not count toward it. Last evaluated 2025-10-17.

Conditions:
ASL-related disorder. Also called: ASL-related condition.
Argininosuccinate lyase deficiency. Also called: ARGININOSUCCINIC ACID LYASE DEFICIENCY; ASL DEFICIENCY; Argininosuccinic aciduria. Identifiers: Orphanet 23, MedGen C0268547, MONDO:0008815, OMIM 207900, HP:0025630.

Allele frequency attached by ClinVar (database versions not stated): 1000 Genomes Project 30x 0.00016.
gnomAD v4.1: 63 of 1,614,114 alleles (0.0039%); highest among the groups gnomAD compares: Non-Finnish European, 0.0025%; no homozygotes.

Submissions (3):

Labcorp Genetics (formerly Invitae), Labcorp
Classification: Likely benign for Argininosuccinate lyase deficiency. Last evaluated: 2025-10-17. Review status: criteria provided, single submitter. Criteria: Invitae Variant Classification Sherloc (09022015). Collection method: clinical testing. Allele origin: germline.

Laboratory of Genetics, Children's Clinical University Hospital Latvia
Classification: Likely benign. Last evaluated: 2025-02-16. Review status: criteria provided, single submitter. Criteria: ACMG Guidelines, 2015. Collection method: clinical testing. Allele origin: germline. Affected: yes.

PreventionGenetics, part of Exact Sciences
Classification: Likely benign for ASL-related condition. Last evaluated: 2019-02-21. Review status: no assertion criteria provided. Collection method: clinical testing. Allele origin: germline. Not counted in ClinVar's aggregate classification.
Comment: This variant is classified as likely benign based on ACMG/AMP sequence variant interpretation guidelines (Richards et al. 2015 PMID: 25741868, with internal and published modifications).